The following is an entry in ClinVar:

NM_017950.4(CCDC40):c.3058G>T (p.Glu1020Ter)

Gene: CCDC40 (coiled-coil domain 40 molecular ruler complex subunit; plus strand). Cytogenetic location: 17q25.3.
Variant type: single nucleotide variant.
Coding change: c.3058G>T on transcript NM_017950.4 (MANE Select); coding-DNA position 3058, G replaced by T.
Protein change: p.Glu1020Ter; replaces glutamic acid 1020 with a stop codon.
Molecular consequence: nonsense.
Genome position (GRCh38, 1-based): chr17:80,097,281, G>T. VCF-style: chr17-80097281-G-T. GRCh37 (hg19) VCF-style: chr17-78071080-G-T.
Other names: short protein forms E1020*.
Identifiers: ClinVar variation 3383203 (VCV003383203.2).
Genomic context (GRCh38, chr17:80,097,281, plus strand): 5'-AGCATGGTCCTGTGATTCTCCTAGGCCACCGATGAGTGCACCAAAACCGTCCTGGAACTG[G>T]AAGAAACACAAAGAAATGTGAGCAGCTCCCTCCTAGAGAAGCAGGAAAAGCTGTCGGTGA-3'

ClinVar aggregate classification (germline): Likely pathogenic (1 of 4 stars; one submission).

Conditions:
Primary ciliary dyskinesia 15. Also called: CILIARY DYSKINESIA, PRIMARY, 15, WITH OR WITHOUT SITUS INVERSUS. Identifiers: Orphanet 244, MedGen C3151137, MONDO:0013435, OMIM 613808.

Submission:

Juno Genomics, Hangzhou Juno Genomics, Inc
Classification: Likely pathogenic for Primary ciliary dyskinesia 15. Review status: criteria provided, single submitter. Criteria: ACMG Guidelines, 2015. Collection method: clinical testing. Allele origin: germline. Affected: yes.
Comment: Null variant in a gene where loss of function (LOF) is a known mechanism of disease.;Absent from controls (or at extremely low frequency if recessive) in Genome Aggregation Database, Exome Sequencing Project, 1000 Genomes Project, or Exome Aggregation Consortium.